The following is an entry in ClinVar:

NM_031885.5(BBS2):c.1624G>A (p.Gly542Ser)

Gene: BBS2 (Bardet-Biedl syndrome 2; minus strand). Cytogenetic location: 16q13.
Variant type: single nucleotide variant.
Coding change: c.1624G>A on transcript NM_031885.5 (MANE Select); coding-DNA position 1624, G replaced by A.
Protein change: p.Gly542Ser; replaces glycine 542 with serine.
Molecular consequence: missense variant. On other transcripts: non-coding transcript variant (5).
Genome position (GRCh38, 1-based): chr16:56,498,472, C>T on the plus strand (G>A on the coding strand, the complement: BBS2 is on the minus strand). VCF-style: chr16-56498472-C-T. GRCh37 (hg19) VCF-style: chr16-56532384-C-T.
Other names: c.1624G>A, p.Gly542Ser (NM_001377456.1); short protein forms G542S.
Identifiers: ClinVar variation 3352725 (VCV003352725.1).

ClinVar aggregate classification (germline): Uncertain significance (0 of 4 stars; one submission).

Conditions:
BBS2-related disorder. Also called: BBS2-related disorders; BBS2-related condition. Identifiers: MedGen CN239228.

gnomAD v4.1: 18 of 1,613,952 alleles (0.0011%); highest among the groups gnomAD compares: East Asian, 0.0022%; no homozygotes.

Submission:

PreventionGenetics, part of Exact Sciences
Classification: Uncertain significance for BBS2-related condition. Last evaluated: 2023-10-23. Review status: no assertion criteria provided. Collection method: clinical testing. Allele origin: germline.
Comment: The BBS2 c.1624G>A variant is predicted to result in the amino acid substitution p.Gly542Ser. To our knowledge, this variant has not been reported in the literature. This variant is reported in 0.0054% of alleles in individuals of East Asian descent in gnomAD. At this time, the clinical significance of this variant is uncertain due to the absence of conclusive functional and genetic evidence.